The following is an entry in ClinVar:

ClinVar aggregate classification (germline): Uncertain significance. Review status: criteria provided, multiple submitters, no conflicts (2 of 4 stars). 3 submissions from 3 submitters: Uncertain significance (3). Last evaluated 2024-09-23.

Conditions:
Familial temporal lobe epilepsy 5. Identifiers: MedGen C3280730, MONDO:0013741, OMIM 614417.
Febrile seizures, familial, 11 (FEB11). Also called: CONVULSIONS, FAMILIAL FEBRILE, 11. Identifiers: MedGen C3280734, MONDO:0024566, OMIM 614418.

Allele frequency attached by ClinVar (database versions not stated): ESP Exome Variant Server 0.00015; TOPMed 0.00022; 1000 Genomes Project 30x 0.00031; 1000 Genomes Project 0.00040.
gnomAD v4.1: 184 of 1,614,154 alleles (0.011%); highest among the groups gnomAD compares: Admixed American, 0.017%; no homozygotes.

Submissions (3):

Labcorp Genetics (formerly Invitae), Labcorp
Classification: Uncertain significance for Febrile seizures, familial, 11. Last evaluated: 2024-09-23. Review status: criteria provided, single submitter. Criteria: Invitae Variant Classification Sherloc (09022015). Collection method: clinical testing. Allele origin: germline.
Comment: This sequence change replaces arginine, which is basic and polar, with leucine, which is neutral and non-polar, at codon 266 of the CPA6 protein (p.Arg266Leu). This variant is present in population databases (rs140612122, gnomAD 0.01%). This variant has not been reported in the literature in individuals affected with CPA6-related conditions. ClinVar contains an entry for this variant (Variation ID: 363606). Invitae Evidence Modeling of protein sequence and biophysical properties (such as structural, functional, and spatial information, amino acid conservation, physicochemical variation, residue mobility, and thermodynamic stability) indicates that this missense variant is not expected to disrupt CPA6 protein function with a negative predictive value of 80%. In summary, the available evidence is currently insufficient to determine the role of this variant in disease. Therefore, it has been classified as a Variant of Uncertain Significance.

Illumina Laboratory Services, Illumina
Classification: Uncertain significance for Familial temporal lobe epilepsy 5. Last evaluated: 2018-01-12. Review status: criteria provided, single submitter. Criteria: ICSL Variant Classification Criteria 13 December 2019. Collection method: clinical testing. Allele origin: germline.

CeGaT Center for Human Genetics Tuebingen
Classification: Uncertain significance. Last evaluated: 2016-09-01. Review status: criteria provided, single submitter. Criteria: CeGaT Center For Human Genetics Tuebingen Variant Classification Criteria Version 2. Collection method: clinical testing. Allele origin: germline. Affected: yes. Observed: 1 variant allele.

NM_020361.5(CPA6):c.797G>T (p.Arg266Leu)

Genes: ARFGEF1-DT (ARFGEF1 divergent transcript; plus strand), CPA6 (carboxypeptidase A6; minus strand). Cytogenetic location: 8q13.2.
Variant type: single nucleotide variant.
Coding change: c.797G>T on transcript NM_020361.5 (MANE Select); coding-DNA position 797, G replaced by T.
Protein change: p.Arg266Leu; replaces arginine 266 with leucine.
Molecular consequence: missense variant.
Genome position (GRCh38, 1-based): chr8:67,483,809, C>A on the plus strand (G>T on the coding strand, the complement: CPA6 is on the minus strand). VCF-style: chr8-67483809-C-A. GRCh37 (hg19) VCF-style: chr8-68396044-C-A.
Other names: short protein forms R266L.
Identifiers: ClinVar variation 363606 (VCV000363606.53), dbSNP rs140612122, ClinGen allele CA4772843.